The following is an entry in ClinVar:

NM_000337.6(SGCD):c.383-33CTCTCTAT[4]

Gene: SGCD (sarcoglycan delta; plus strand). Cytogenetic location: 5q33.3.
Variant type: Microsatellite.
Coding change: c.383-33CTCTCTAT[4] on transcript NM_000337.6 (MANE Select); four copies in a row of the 8-base unit CTCTCTAT starting at c.383-33; the reference has three copies in a row; one copy, 8 bases duplicated.
Molecular consequence: intron variant.
Genome position (GRCh38, 1-based): chr5:156,594,915-156,594,922, CTCTCTAT duplicated; duplicating any 8 consecutive bases within chr5:156,594,899-156,594,922 gives the same sequence; the position shown is the placement nearest the transcript's 3' end. VCF-style (leftmost placement, unchanged base first): chr5-156594898-C-CCTCTCTAT. GRCh37 (hg19) VCF-style: chr5-156021908-C-CCTCTCTAT.
Other names: c.380-33CTCTCTAT[4] (NM_001128209.2); c.383-33CTCTCTAT[4] (NM_172244.3); c.383-17_383-10dupCTCTCTAT (NM_000337.5); c.383-17_383-10dup8 (NM_000337.5).
Identifiers: ClinVar variation 287453 (VCV000287453.9), dbSNP rs727504998, ClinGen allele CA3530586.

ClinVar aggregate classification (germline): Conflicting classifications of pathogenicity. Review status: criteria provided, conflicting classifications (1 of 4 stars). 5 submissions from 4 submitters: Uncertain significance (3); Benign (1). 1 of the submissions does not count toward it. Last evaluated 2023-05-16.

Conditions:
Autosomal recessive limb-girdle muscular dystrophy type 2F (LGMDR6). Also called: Muscular dystrophy limb-girdle with delta-sarcoglyan deficiency; MUSCULAR DYSTROPHY, LIMB-GIRDLE, AUTOSOMAL RECESSIVE 6. Identifiers: Orphanet 219, MedGen C1832525, MONDO:0011028, OMIM 601287. Disease mechanism: Affects gamma-sarcoglycan and also disrupts the integrity of the entire sarcoglycan complex..
Dilated cardiomyopathy 1L (CMD1L). Identifiers: Orphanet 154, MedGen C1847667, MONDO:0011702, OMIM 606685.

Submissions (5):

Women's Health and Genetics/Laboratory Corporation of America, LabCorp
Classification: Benign. Last evaluated: 2023-05-16. Review status: criteria provided, single submitter. Criteria: LabCorp Variant Classification Summary - May 2015. Collection method: clinical testing. Allele origin: germline.
Comment: Variant summary: SGCD c.383-17_383-10dupCTCTCTAT alters a non-conserved nucleotide located close to a canonical splice site and therefore could affect mRNA splicing, leading to a significantly altered protein sequence. 4/4 computational tools predict no significant impact on normal splicing. However, these predictions have yet to be confirmed by functional studies. The variant allele was found at a frequency of 0.00015 in 277680 control chromosomes, including 1 homozygote (gnomAD and jMorp databases (Tadaka_2021)). The observed variant frequency is approximately 9.68 fold of the estimated maximal expected allele frequency for a pathogenic variant in SGCD causing Dilated Cardiomyopathy phenotype (1.6e-05), strongly suggesting that the variant is benign. To our knowledge, no occurrence of c.383-17_383-10dupCTCTCTAT in individuals affected with Dilated Cardiomyopathy and no experimental evidence demonstrating its impact on protein function have been reported. The following publication was ascertained in the context of this evaluation (PMID: 33179747). Two ClinVar submitters (evaluation after 2014) have cited the variant, and both submitters classified the variant as uncertain significance. Based on the evidence outlined above, the variant was classified as benign.

Genome-Nilou Lab
Classification: Uncertain significance for Autosomal recessive limb-girdle muscular dystrophy type 2F. Last evaluated: 2023-02-08. Review status: criteria provided, single submitter. Criteria: ACMG Guidelines, 2015. Collection method: clinical testing. Allele origin: germline.

Genome-Nilou Lab
Classification: Uncertain significance for Dilated cardiomyopathy 1L. Last evaluated: 2023-02-08. Review status: criteria provided, single submitter. Criteria: ACMG Guidelines, 2015. Collection method: clinical testing. Allele origin: germline.

Eurofins Ntd Llc (ga)
Classification: Uncertain significance. Last evaluated: 2016-04-15. Review status: criteria provided, single submitter. Criteria: EGL Classification Definitions. Collection method: clinical testing. Allele origin: germline. Observed: 1 variant allele.

Counsyl
Classification: Uncertain significance for Dilated cardiomyopathy 1L; Autosomal recessive limb-girdle muscular dystrophy type 2F. Last evaluated: 2017-01-05. Review status: no assertion criteria provided. Collection method: clinical testing. Allele origin: unknown. Not counted in ClinVar's aggregate classification.

Literature cited by the submitters: PubMed 33179747 (cited by Women's Health and Genetics/Laboratory Corporation of America, LabCorp).